The following is an entry in ClinVar:

ClinVar aggregate classification (germline): Uncertain significance. Review status: criteria provided, multiple submitters, no conflicts (2 of 4 stars). 2 submissions from 2 submitters: Uncertain significance (2). Last evaluated 2023-08-08.

gnomAD v4.1: 18 of 1,557,600 alleles (0.0012%); highest among the groups gnomAD compares: African/African-American, 0.0041%; no homozygotes.

Submissions (2):

Ambry Genetics
Classification: Uncertain significance. Last evaluated: 2023-08-08. Review status: criteria provided, single submitter. Criteria: Ambry Variant Classification Scheme 2023. Collection method: clinical testing. Allele origin: germline.

Labcorp Genetics (formerly Invitae), Labcorp
Classification: Uncertain significance. Last evaluated: 2021-02-25. Review status: criteria provided, single submitter. Criteria: Invitae Variant Classification Sherloc (09022015). Collection method: clinical testing. Allele origin: germline.
Comment: In summary, the available evidence is currently insufficient to determine the role of this variant in disease. Therefore, it has been classified as a Variant of Uncertain Significance. Algorithms developed to predict the effect of missense changes on protein structure and function are either unavailable or do not agree on the potential impact of this missense change (SIFT: "Deleterious"; PolyPhen-2: "Probably Damaging"; Align-GVGD: "Class C0"). This variant has not been reported in the literature in individuals with LIG1-related conditions. This variant is not present in population databases (ExAC no frequency). This sequence change replaces valine with methionine at codon 519 of the LIG1 protein (p.Val519Met). The valine residue is moderately conserved and there is a small physicochemical difference between valine and methionine.

NM_000234.3(LIG1):c.1555G>A (p.Val519Met)

Gene: LIG1 (DNA ligase 1; minus strand). Cytogenetic location: 19q13.33.
Variant type: single nucleotide variant.
Coding change: c.1555G>A on transcript NM_000234.3 (MANE Select); coding-DNA position 1555, G replaced by A.
Protein change: p.Val519Met; replaces valine 519 with methionine.
Molecular consequence: missense variant. On other transcripts: non-coding transcript variant (4).
Genome position (GRCh38, 1-based): chr19:48,134,035, C>T on the plus strand (G>A on the coding strand, the complement: LIG1 is on the minus strand). VCF-style: chr19-48134035-C-T. GRCh37 (hg19) VCF-style: chr19-48637292-C-T.
Other names: c.1462G>A, p.Val488Met (NM_001289063.2); c.1351G>A, p.Val451Met (NM_001289064.2); c.1552G>A, p.Val518Met (NM_001320970.2); c.1465G>A, p.Val489Met (NM_001320971.2); c.1555G>A (NM_000234.1); short protein forms V518M, V451M, V488M, V489M, V519M.
Identifiers: ClinVar variation 1357277 (VCV001357277.8), dbSNP rs201483928, ClinGen allele CA309293644.